The following is an entry in ClinVar:

ClinVar aggregate classification (germline): Uncertain significance (1 of 4 stars; one submission).

Submission:

Mayo Clinic Laboratories, Mayo Clinic
Classification: Uncertain significance. Last evaluated: 2025-08-14. Review status: criteria provided, single submitter. Criteria: ACMG Guidelines, 2015. Collection method: clinical testing. Allele origin: germline. Observed: 1 variant allele.
Comment: BP4_moderate, PM2_supporting

NM_006736.6(DNAJB2):c.442T>C (p.Ser148Pro)

Gene: DNAJB2 (DnaJ heat shock protein family (Hsp40) member B2; plus strand). Cytogenetic location: 2q35.
Variant type: single nucleotide variant.
Coding change: c.442T>C on transcript NM_006736.6 (MANE Select); coding-DNA position 442, T replaced by C.
Protein change: p.Ser148Pro; replaces serine 148 with proline.
Molecular consequence: missense variant.
Genome position (GRCh38, 1-based): chr2:219,282,926, T>C. VCF-style: chr2-219282926-T-C. GRCh37 (hg19) VCF-style: chr2-220147648-T-C.
Other names: p.Ser148Pro; c.442T>C, p.Ser148Pro (NM_001039550.2); short protein forms S148P.
Identifiers: ClinVar variation 4540809 (VCV004540809.1).